The following is an entry in ClinVar:

NM_000059.4(BRCA2):c.6379A>C (p.Ser2127Arg)

Gene: BRCA2 (BRCA2 DNA repair associated; plus strand). Cytogenetic location: 13q13.1.
Variant type: single nucleotide variant.
Coding change: c.6379A>C on transcript NM_000059.4 (MANE Select); coding-DNA position 6379, A replaced by C.
Protein change: p.Ser2127Arg; replaces serine 2127 with arginine.
Molecular consequence: missense variant.
Genome position (GRCh38, 1-based): chr13:32,340,734, A>C. VCF-style: chr13-32340734-A-C. GRCh37 (hg19) VCF-style: chr13-32914871-A-C.
Other names: short protein forms S2127R.
Identifiers: ClinVar variation 234222 (VCV000234222.21), dbSNP rs876660938, ClinGen allele CA10579692.
Genomic context (GRCh38, chr13:32,340,734, plus strand): 5'-CCTCGTGTTGATAAGAGAAACCCAGAGCACTGTGTAAACTCAGAAATGGAAAAAACCTGC[A>C]GTAAAGAATTTAAATTATCAAATAACTTAAATGTTGAAGGTGGTTCTTCAGAAAATAATC-3'
Protein context (NP_000050.3, residues 2117-2137): CVNSEMEKTC[Ser2127Arg]KEFKLSNNLN

ClinVar aggregate classification (germline): Conflicting classifications of pathogenicity. Review status: criteria provided, conflicting classifications (1 of 4 stars). 5 submissions from 5 submitters: Uncertain significance (4); Likely benign (1). Last evaluated 2024-12-14.

Conditions:
Hereditary cancer-predisposing syndrome. Also called: Tumor predisposition; Hereditary Cancer Syndrome; Hereditary neoplastic syndrome; Neoplastic Syndromes, Hereditary. Identifiers: Orphanet 140162, MedGen C0027672, MeSH D009386, MONDO:0015356.
Hereditary breast ovarian cancer syndrome. Also called: Hereditary breast and ovarian cancer; Breast and ovarian cancer; BRCA1- and BRCA2-Associated Hereditary Breast and Ovarian Cancer; Hereditary breast and ovarian cancer syndrome; Hereditary breast and ovarian cancer syndrome (HBOC); Hereditary breast and/or ovarian cancer syndrome. Identifiers: Orphanet 145, MedGen C0677776, MeSH D061325, MONDO:0003582. Disease mechanism: loss of function.
Breast-ovarian cancer, familial, susceptibility to, 2 (BROVCA2). Also called: BRCA2 Hereditary Breast and Ovarian Cancer. Identifiers: Orphanet 145, MedGen C2675520, MONDO:0012933, OMIM 612555. Disease mechanism: loss of function.

Allele frequency attached by ClinVar (database versions not stated): TOPMed 0.00001.

Submissions (5):

Ambry Genetics
Classification: Uncertain significance for Hereditary cancer-predisposing syndrome. Last evaluated: 2024-12-14. Review status: criteria provided, single submitter. Criteria: Ambry Variant Classification Scheme 2023. Collection method: clinical testing. Allele origin: germline.
Comment: The p.S2127R variant (also known as c.6379A>C), located in coding exon 10 of the BRCA2 gene, results from an A to C substitution at nucleotide position 6379. The serine at codon 2127 is replaced by arginine, an amino acid with dissimilar properties. This amino acid position is poorly conserved in available vertebrate species. In addition, this alteration is predicted to be tolerated by in silico analysis. Since supporting evidence is limited at this time, the clinical significance of this alteration remains unclear.

All of Us Research Program, National Institutes of Health
Classification: Uncertain significance for Breast-ovarian cancer, familial, susceptibility to, 2. Last evaluated: 2023-12-18. Review status: criteria provided, single submitter. Criteria: ACMG Guidelines, 2015. Collection method: clinical testing. Allele origin: germline. Inheritance: Autosomal dominant inheritance. Observed: 1 variant allele, 1 heterozygote.
Comment: This missense variant replaces serine with arginine at codon 2127 of the BRCA2 protein. Computational prediction suggests that this variant may not impact protein structure and function (internally defined REVEL score threshold <= 0.5, PMID: 27666373). To our knowledge, functional studies have not been reported for this variant. This variant has not been reported in individuals affected with BRCA2-related disorders in the literature. This variant has not been identified in the general population by the Genome Aggregation Database (gnomAD). The available evidence is insufficient to determine the role of this variant in disease conclusively. Therefore, this variant is classified as a Variant of Uncertain Significance.

This study involves interpretation of variants in research participants for the purpose of population health screening. Participant phenotype was not available at the time of variant classification. Additional details can be found in publication PMID: 35346344, PMCID: PMC8962531

Color Diagnostics, LLC DBA Color Health
Classification: Uncertain significance for Hereditary cancer-predisposing syndrome. Last evaluated: 2023-11-27. Review status: criteria provided, single submitter. Criteria: ACMG Guidelines, 2015. Collection method: clinical testing. Allele origin: germline.
Comment: This missense variant replaces serine with arginine at codon 2127 of the BRCA2 protein. Computational prediction suggests that this variant may not impact protein structure and function (internally defined REVEL score threshold <= 0.5, PMID: 27666373). To our knowledge, functional studies have not been reported for this variant. This variant has not been reported in individuals affected with BRCA2-related disorders in the literature. This variant has not been identified in the general population by the Genome Aggregation Database (gnomAD). The available evidence is insufficient to determine the role of this variant in disease conclusively. Therefore, this variant is classified as a Variant of Uncertain Significance.

Labcorp Genetics (formerly Invitae), Labcorp
Classification: Uncertain significance for Hereditary breast ovarian cancer syndrome. Last evaluated: 2023-09-21. Review status: criteria provided, single submitter. Criteria: Invitae Variant Classification Sherloc (09022015). Collection method: clinical testing. Allele origin: germline.
Comment: This sequence change replaces serine, which is neutral and polar, with arginine, which is basic and polar, at codon 2127 of the BRCA2 protein (p.Ser2127Arg). In summary, the available evidence is currently insufficient to determine the role of this variant in disease. Therefore, it has been classified as a Variant of Uncertain Significance. Advanced modeling of protein sequence and biophysical properties (such as structural, functional, and spatial information, amino acid conservation, physicochemical variation, residue mobility, and thermodynamic stability) performed at Invitae indicates that this missense variant is not expected to disrupt BRCA2 protein function. ClinVar contains an entry for this variant (Variation ID: 234222). This variant has not been reported in the literature in individuals affected with BRCA2-related conditions. This variant is not present in population databases (gnomAD no frequency).

University of Washington Department of Laboratory Medicine, University of Washington
Classification: Likely benign for Hereditary cancer-predisposing syndrome. Last evaluated: 2023-03-23. Review status: criteria provided, single submitter. Criteria: Dines et al. (Genet Med. 2020). Collection method: curation. Allele origin: germline.
Comment: Missense variant in a coldspot region where missense variants are very unlikely to be pathogenic (PMID:31911673).

BRCA2 exon 11 coldspot. Reclassification based on statistical prior probability.